The following is an entry in ClinVar:

ClinVar aggregate classification (germline): Uncertain significance (1 of 4 stars; one submission).

Conditions:
Hereditary cancer-predisposing syndrome. Also called: Hereditary Cancer Syndrome; Hereditary neoplastic syndrome; Neoplastic Syndromes, Hereditary; Tumor predisposition. Identifiers: Orphanet 140162, MedGen C0027672, MeSH D009386, MONDO:0015356.

Submission:

Ambry Genetics
Classification: Uncertain significance for Hereditary cancer-predisposing syndrome. Last evaluated: 2022-08-07. Review status: criteria provided, single submitter. Criteria: Ambry Variant Classification Scheme 2023. Collection method: clinical testing. Allele origin: germline.
Comment: The p.G159A variant (also known as c.476G>C), located in coding exon 6 of the CDC73 gene, results from a G to C substitution at nucleotide position 476. The glycine at codon 159 is replaced by alanine, an amino acid with similar properties. This amino acid position is conserved. In addition, the in silico prediction for this alteration is inconclusive. Since supporting evidence is limited at this time, the clinical significance of this alteration remains unclear.

NM_024529.5(CDC73):c.476G>C (p.Gly159Ala)

Gene: CDC73 (cell division cycle 73; plus strand). Cytogenetic location: 1q31.2.
Variant type: single nucleotide variant.
Coding change: c.476G>C on transcript NM_024529.5 (MANE Select); coding-DNA position 476, G replaced by C.
Protein change: p.Gly159Ala; replaces glycine 159 with alanine.
Molecular consequence: missense variant.
Genome position (GRCh38, 1-based): chr1:193,138,137, G>C. VCF-style: chr1-193138137-G-C. GRCh37 (hg19) VCF-style: chr1-193107267-G-C.
Other names: short protein forms G159A.
Identifiers: ClinVar variation 1742958 (VCV001742958.2), dbSNP rs2103123780, ClinGen allele CA343961231.